The following is an entry in ClinVar:

ClinVar aggregate classification (germline): Likely pathogenic (1 of 4 stars; one submission).

gnomAD v4.1: 1 of 1,613,930 alleles (0.000062%); highest among the groups gnomAD compares: Non-Finnish European, 0.000085%; no homozygotes.

Submission:

OLLIN Analises Genomicas, OLLIN
Classification: Likely pathogenic. Last evaluated: 2026-08-06. Review status: criteria provided, single submitter. Criteria: ACMG Guidelines 2015 PMID 25741868. Collection method: clinical testing. Allele origin: germline.
Comment: This missense variant, located in exon 6 (of 9), is absent from gnomAD and has not been identified in the literature. However, it has been reported in ClinVar (accession VCV003070650.1). In silico analysis predicts that this variant has a deleterious effect. This gene is constrained for missense variation. According to the currently available evidence, this variant has been classified as likely pathogenic (PM2_P, PP2, PP3_S).

NM_001613.4(ACTA2):c.599A>G (p.Tyr200Cys)

Gene: ACTA2 (actin alpha 2, smooth muscle; minus strand). Cytogenetic location: 10q23.31.
Variant type: single nucleotide variant.
Coding change: c.599A>G on transcript NM_001613.4 (MANE Select); coding-DNA position 599, A replaced by G.
Protein change: p.Tyr200Cys; replaces tyrosine 200 with cysteine.
Molecular consequence: missense variant.
Genome position (GRCh38, 1-based): chr10:88,941,246, T>C on the plus strand (A>G on the coding strand, the complement: ACTA2 is on the minus strand). VCF-style: chr10-88941246-T-C. GRCh37 (hg19) VCF-style: chr10-90701003-T-C.
Other names: c.599A>G, p.Tyr200Cys (NM_001141945.3, NM_001320855.2, NM_001406462.1 and 3 more transcripts); c.488A>G, p.Tyr163Cys (NM_001406466.1); c.470A>G, p.Tyr157Cys (NM_001406467.1, NM_001406468.1, NM_001406469.1); short protein forms Y157C, Y163C, Y200C.
Identifiers: ClinVar variation 5003035 (VCV005003035.1).